The following is an entry in ClinVar:

ClinVar aggregate classification (germline): Uncertain significance (1 of 4 stars; one submission).

gnomAD v4.1: 3 of 1,612,428 alleles (0.00019%); highest among the groups gnomAD compares: Non-Finnish European, 0.00025%; no homozygotes.

Submission:

Labcorp Genetics (formerly Invitae), Labcorp
Classification: Uncertain significance. Last evaluated: 2025-08-01. Review status: criteria provided, single submitter. Criteria: Invitae Variant Classification Sherloc (09022015). Collection method: clinical testing. Allele origin: germline.
Comment: This sequence change replaces alanine, which is neutral and non-polar, with valine, which is neutral and non-polar, at codon 614 of the SON protein (p.Ala614Val). This variant is present in population databases (rs756691809, gnomAD 0.002%). This variant has not been reported in the literature in individuals affected with SON-related conditions. An algorithm developed to predict the effect of missense changes on protein structure and function (PolyPhen-2) suggests that this variant is likely to be disruptive. In summary, the available evidence is currently insufficient to determine the role of this variant in disease. Therefore, it has been classified as a Variant of Uncertain Significance.

NM_138927.4(SON):c.1841C>T (p.Ala614Val)

Gene: SON (SON DNA and RNA binding protein; plus strand). Cytogenetic location: 21q22.11.
Variant type: single nucleotide variant.
Coding change: c.1841C>T on transcript NM_138927.4 (MANE Select); coding-DNA position 1841, C replaced by T.
Protein change: p.Ala614Val; replaces alanine 614 with valine.
Molecular consequence: missense variant. On other transcripts: non-coding transcript variant (1), intron variant (1).
Genome position (GRCh38, 1-based): chr21:33,551,072, C>T. VCF-style: chr21-33551072-C-T. GRCh37 (hg19) VCF-style: chr21-34923378-C-T.
Other names: c.1841C>T, p.Ala614Val (NM_001291411.2, NM_032195.3); c.244+4693C>T (NM_001291412.3); short protein forms A614V.
Identifiers: ClinVar variation 4776350 (VCV004776350.1).